The following is an entry in ClinVar:

NM_000088.4(COL1A1):c.64G>C (p.Gly22Arg)

Gene: COL1A1 (collagen type I alpha 1 chain; minus strand). Cytogenetic location: 17q21.33.
Variant type: single nucleotide variant.
Coding change: c.64G>C on transcript NM_000088.4 (MANE Select); coding-DNA position 64, G replaced by C.
Protein change: p.Gly22Arg; replaces glycine 22 with arginine.
Molecular consequence: missense variant.
Genome position (GRCh38, 1-based): chr17:50,201,450, C>G on the plus strand (G>C on the coding strand, the complement: COL1A1 is on the minus strand). VCF-style: chr17-50201450-C-G. GRCh37 (hg19) VCF-style: chr17-48278811-C-G.
Other names: short protein forms G22R.
Identifiers: ClinVar variation 996641 (VCV000996641.8), dbSNP rs72667007, ClinGen allele CA291552447.

ClinVar aggregate classification (germline): Pathogenic/Likely pathogenic. Review status: criteria provided, multiple submitters, no conflicts (2 of 4 stars). 4 submissions from 4 submitters: Pathogenic (2); Likely pathogenic (1). 1 of the submissions does not count toward it. Last evaluated 2025-02-16.

Conditions:
Osteogenesis imperfecta type I (OI1). Also called: Classic Non-deforming Osteogenesis Imperfecta with Blue Sclerae; Osteogenesis imperfecta type 1; Lobstein's Disease; Lobstein disease; OI, TYPE I; OSTEOGENESIS IMPERFECTA TARDA. Identifiers: Orphanet 216796, Orphanet 666, MedGen C0023931, MONDO:0008146, OMIM 166200. Disease mechanism: loss of function.
Combined osteogenesis imperfecta and Ehlers-Danlos syndrome 1. Also called: OIEDS SYNDROME 1. Identifiers: MedGen C5436842, MONDO:0030854, OMIM 619115.
Osteogenesis imperfecta with normal sclerae, dominant form (OI4). Also called: Osteogenesis Imperfecta Type IV; OSTEOGENESIS IMPERFECTA, TYPE IV, WITH DENTINOGENESIS IMPERFECTA; Osteogenesis imperfecta type 4; Common Variable Osteogenesis Imperfecta with Normal Sclerae; OSTEOGENESIS IMPERFECTA WITH NORMAL SCLERAE. Identifiers: Orphanet 216820, Orphanet 666, MedGen C0268363, MONDO:0008148, OMIM 166220.
Osteogenesis imperfecta, perinatal lethal (OI2). Also called: OSTEOGENESIS IMPERFECTA, TYPE II; VROLIK TYPE OF OSTEOGENESIS IMPERFECTA; Osteogenesis imperfecta, dominant perinatal lethal; Osteogenesis imperfecta type 2; OI, TYPE II; OSTEOGENESIS IMPERFECTA CONGENITA. Identifiers: Orphanet 216804, MedGen C0268358, MONDO:0008147, OMIM 166210.
Osteogenesis imperfecta type III (OI3). Also called: Progressively Deforming Osteogenesis Imperfecta; Osteogenesis imperfecta type 3; OI type 3; Osteogenesis imperfecta, progressively deforming with normal sclerae; OI type III. Identifiers: Orphanet 216812, Orphanet 666, MedGen C0268362, MONDO:0009804, OMIM 259420.
Wiedemann-Rautenstrauch-like progeroid syndrome.

Submissions (4):

Laboratory of Genetics, Children's Clinical University Hospital Latvia
Classification: Pathogenic. Last evaluated: 2025-02-16. Review status: criteria provided, single submitter. Criteria: ACMG Guidelines, 2015. Collection method: clinical testing. Allele origin: germline. Affected: yes.

New York Genome Center
Classification: Likely pathogenic for Osteogenesis imperfecta with normal sclerae, dominant form; Osteogenesis imperfecta type III; Osteogenesis imperfecta, perinatal lethal; Osteogenesis imperfecta type I; Combined osteogenesis imperfecta and Ehlers-Danlos syndrome 1. Last evaluated: 2024-06-06. Review status: criteria provided, single submitter. Criteria: NYGC Assertion Criteria 2020. Collection method: clinical testing. Allele origin: de novo. Affected: yes. Observed: 1 variant allele, 1 heterozygote.
Comment: The apparently de novo c.64G>C p.(Gly22Arg) variant in COL1A1 is located in exon 1 of this 51-exon gene, and predicted to replace an evolutionarily conserved glycine amino acid with arginine at position 22. This variant is absent from gnomAD (v4.1.0) and the All of Us database, suggesting that it is not a common benign variant in the populations represented by those databases. This variant has been reported twice in individuals with OI Type II in the Leiden Open Variation Database(LOVD) for COL1A1 variants, one of whom has been published in the literature [PMID: 16786509]. One additional patient carrying this variant has been reported in the literature diagnosed with Wiedemann-Rautenstrauch-like syndrome, a progeroid syndrome, however the authors speculate that that individual may carry other genetic or epigenetic factors that have caused the atypical presentation [PMID: 30450527]. This variant has also been deposited twice in the ClinVar database [ClinVar ID: 996641], once as Pathogenic and once as Likely Pathogenic. In silico predictions support a damaging effect for p.(Gly22Arg) [REVEL = 0.671]. Glycine substitutions in collagen genes are often pathogenic due to the role of glycine residues the formation of triple helical collagen fibers, substitution of which leads to aberrant assembly of collagen fibers and a dominant negative molecular mechanism. However, the p.(Gly22Arg) variant observed in this case is not located in the triple helix domain and so does not affect collagen fiber assembly. Rather, this variant is located within the cleavage recognition site of the N-terminal signal sequence of COL1A1. Studies of fibroblasts from an individual carrying the p.(Gly22Arg) variant demonstrated reduced steady state collagen levels as well as reducedand delayed secretion of collagen while also showing apparent increased accumulation of collagen molecules within the endoplasmic reticulum (ER) of cells [PMID:29101475]. The proposed mechanism is a dominant negative mechanism by which mutation of the N-terminal cleavage site impairs transport of collagen fibers,resulting in accumulation and degradation of collagen through ER associated degradation [PMID: 29101475]. Two other pathogenic variants have been reported inthe N-terminal cleavage recognition site, p.(His21Pro) [PMID: 30715774] and p.(Gly22_Gln23del) [PMID: 26177859], both are observed in individuals with OI Type III. Based on available evidence the c.64G>C p.(Gly22Arg) variant identified in COL1A1 is classified as Likely Pathogenic.

Labcorp Genetics (formerly Invitae), Labcorp
Classification: Pathogenic for Osteogenesis imperfecta type I. Last evaluated: 2022-07-08. Review status: criteria provided, single submitter. Criteria: Invitae Variant Classification Sherloc (09022015). Collection method: clinical testing. Allele origin: germline.
Comment: For these reasons, this variant has been classified as Pathogenic. Experimental studies have shown that this missense change affects COL1A1 function (PMID: 29101475). Algorithms developed to predict the effect of missense changes on protein structure and function are either unavailable or do not agree on the potential impact of this missense change (SIFT: "Deleterious"; PolyPhen-2: "Not Available"; Align-GVGD: "Class C0"). ClinVar contains an entry for this variant (Variation ID: 996641). This missense change has been observed in individual(s) with osteogenesis imperfecta (PMID: 16786509, 30450527). In at least one individual the variant was observed to be de novo. This variant is not present in population databases (gnomAD no frequency). This sequence change replaces glycine, which is neutral and non-polar, with arginine, which is basic and polar, at codon 22 of the COL1A1 protein (p.Gly22Arg).

University of Washington Center for Mendelian Genomics, University of Washington
Classification: Likely pathogenic for Wiedemann-Rautenstrauch-like progeroid syndrome. Review status: no assertion criteria provided. Collection method: research. Allele origin: de novo. Affected: yes. Not counted in ClinVar's aggregate classification.

Literature cited by the submitters: PubMed 16786509 (cited by New York Genome Center and Labcorp Genetics (formerly Invitae), Labcorp); PubMed 29101475 (cited by New York Genome Center and Labcorp Genetics (formerly Invitae), Labcorp); PubMed 30450527 (cited by Labcorp Genetics (formerly Invitae), Labcorp and University of Washington Center for Mendelian Genomics, University of Washington).